The following is an entry in ClinVar:

ClinVar aggregate classification (germline): Likely benign. Review status: criteria provided, multiple submitters, no conflicts (2 of 4 stars). 3 submissions from 3 submitters: Likely benign (2). 1 of the submissions does not count toward it. Last evaluated 2025-04-01.

Conditions:
DLL4-related disorder. Also called: DLL4-related condition.

Allele frequency attached by ClinVar (database versions not stated): ESP Exome Variant Server 0.00008; TOPMed 0.00008; gnomAD 0.00011; ExAC 0.00012; 1000 Genomes Project 30x 0.00016; gnomAD exomes 0.00017; 1000 Genomes Project 0.00020.
gnomAD v4.1: 252 of 1,609,176 alleles (0.016%); highest among the groups gnomAD compares: South Asian, 0.041%; no homozygotes.

Submissions (3):

CeGaT Center for Human Genetics Tuebingen
Classification: Likely benign. Last evaluated: 2025-04-01. Review status: criteria provided, single submitter. Criteria: CeGaT Center For Human Genetics Tuebingen Variant Classification Criteria Version 2. Collection method: clinical testing. Allele origin: germline. Affected: yes. Observed: 1 variant allele.
Comment: DLL4: BP4, BP7

Labcorp Genetics (formerly Invitae), Labcorp
Classification: Likely benign. Last evaluated: 2024-01-15. Review status: criteria provided, single submitter. Criteria: Invitae Variant Classification Sherloc (09022015). Collection method: clinical testing. Allele origin: germline.

PreventionGenetics, part of Exact Sciences
Classification: Likely benign for DLL4-related condition. Last evaluated: 2022-02-09. Review status: no assertion criteria provided. Collection method: clinical testing. Allele origin: germline. Not counted in ClinVar's aggregate classification.
Comment: This variant is classified as likely benign based on ACMG/AMP sequence variant interpretation guidelines (Richards et al. 2015 PMID: 25741868, with internal and published modifications).

NM_019074.4(DLL4):c.1320C>T (p.His440=)

Gene: DLL4 (delta like canonical Notch ligand 4; plus strand). Cytogenetic location: 15q15.1.
Variant type: single nucleotide variant.
Coding change: c.1320C>T on transcript NM_019074.4 (MANE Select); coding-DNA position 1320, C replaced by T.
Protein change: p.His440=; no amino-acid change (histidine 440 retained).
Molecular consequence: synonymous variant.
Genome position (GRCh38, 1-based): chr15:40,936,307, C>T. VCF-style: chr15-40936307-C-T. GRCh37 (hg19) VCF-style: chr15-41228505-C-T.
Other names: c.1320C>T (NM_019074.3).
Identifiers: ClinVar variation 2182187 (VCV002182187.16), dbSNP rs370793294, ClinGen allele CA7487912.
Genomic context (GRCh38, chr15:40,936,307, plus strand): 5'-AGGTCCAAGCCGCATGTGCCGCTGCCGTCCTGGATTCACGGGCACCTACTGTGAACTCCA[C>T]GTCAGCGACTGTGCCCGTAACCCTTGCGCCCACGGTGGCACTTGCCATGACCTGGAGAAT-3'
Protein context (NP_061947.1, residues 430-450): PGFTGTYCEL[His440=]VSDCARNPCA